The following is an entry in ClinVar:

ClinVar aggregate classification (germline): Uncertain significance (1 of 4 stars; one submission).

Submission:

Labcorp Genetics (formerly Invitae), Labcorp
Classification: Uncertain significance. Last evaluated: 2022-06-07. Review status: criteria provided, single submitter. Criteria: Invitae Variant Classification Sherloc (09022015). Collection method: clinical testing. Allele origin: germline.
Comment: This sequence change replaces serine, which is neutral and polar, with phenylalanine, which is neutral and non-polar, at codon 28 of the NEDD4L protein (p.Ser28Phe). This variant is not present in population databases (gnomAD no frequency). This variant has not been reported in the literature in individuals affected with NEDD4L-related conditions. Algorithms developed to predict the effect of missense changes on protein structure and function are either unavailable or do not agree on the potential impact of this missense change (SIFT: "Tolerated"; PolyPhen-2: "Possibly Damaging"; Align-GVGD: "Class C0"). In summary, the available evidence is currently insufficient to determine the role of this variant in disease. Therefore, it has been classified as a Variant of Uncertain Significance.

NM_001144967.3(NEDD4L):c.83C>T (p.Ser28Phe)

Gene: NEDD4L (NEDD4 like E3 ubiquitin protein ligase; plus strand). Cytogenetic location: 18q21.31.
Variant type: single nucleotide variant.
Coding change: c.83C>T on transcript NM_001144967.3 (MANE Select); coding-DNA position 83, C replaced by T.
Protein change: p.Ser28Phe; replaces serine 28 with phenylalanine.
Molecular consequence: missense variant. On other transcripts: 5 prime UTR variant (3).
Genome position (GRCh38, 1-based): chr18:58,165,822, C>T. VCF-style: chr18-58165822-C-T. GRCh37 (hg19) VCF-style: chr18-55833054-C-T.
Other names: c.-281C>T (NM_001144964.1, NM_001144965.2); c.59C>T, p.Ser20Phe (NM_001144968.2, NM_001144969.2); c.-359C>T (NM_001144971.2); c.83C>T, p.Ser28Phe (NM_001243960.2, NM_015277.6); short protein forms S20F, S28F.
Identifiers: ClinVar variation 2002919 (VCV002002919.4), dbSNP rs2511820985, ClinGen allele CA402715270.
Genomic context (GRCh38, chr18:58,165,822, plus strand): 5'-CTCTTTTTTTGTTCTCCTTCTCACAGGGAGAGTCCCGTATTCTCAGAGTAAAAGTTGTTT[C>T]TGGAATTGATCTCGCCAAAAAGGACATCTTTGGAGCCAGGTATGTTGGCTTTGTTTTTAT-3'
Protein context (NP_001138439.1, residues 18-38): ESRILRVKVV[Ser28Phe]GIDLAKKDIF